The following is an entry in ClinVar:

ClinVar aggregate classification (germline): Uncertain significance (1 of 4 stars; one submission).

Conditions:
Emery-Dreifuss muscular dystrophy 4, autosomal dominant (EDMD4). Also called: EMERY-DREIFUSS MUSCULAR DYSTROPHY 4 WITH VARIABLE FEATURES. Identifiers: Orphanet 261, MedGen C2751807, MONDO:0013071, OMIM 612998.
Autosomal recessive ataxia, Beauce type. Also called: SYNE1 Deficiency; Spinocerebellar ataxia, autosomal recessive 8; ATAXIA, RECESSIVE, OF BEAUCE; SYNE1-Related Autosomal Recessive Cerebellar Ataxia. Identifiers: Orphanet 88644, MedGen C1853116, MONDO:0012549, OMIM 610743.

Submission:

Labcorp Genetics (formerly Invitae), Labcorp
Classification: Uncertain significance for Emery-Dreifuss muscular dystrophy 4, autosomal dominant; Autosomal recessive ataxia, Beauce type. Last evaluated: 2022-02-17. Review status: criteria provided, single submitter. Criteria: Invitae Variant Classification Sherloc (09022015). Collection method: clinical testing. Allele origin: germline.
Comment: This variant has not been reported in the literature in individuals affected with SYNE1-related conditions. This variant is not present in population databases (gnomAD no frequency). This sequence change replaces alanine, which is neutral and non-polar, with threonine, which is neutral and polar, at codon 3079 of the SYNE1 protein (p.Ala3079Thr). Algorithms developed to predict the effect of missense changes on protein structure and function are either unavailable or do not agree on the potential impact of this missense change (SIFT: "Deleterious"; PolyPhen-2: "Benign"; Align-GVGD: "Class C0"). In summary, the available evidence is currently insufficient to determine the role of this variant in disease. Therefore, it has been classified as a Variant of Uncertain Significance.

NM_182961.4(SYNE1):c.9214G>A (p.Ala3072Thr)

Gene: SYNE1 (spectrin repeat containing nuclear envelope protein 1; minus strand). Cytogenetic location: 6q25.2.
Variant type: single nucleotide variant.
Coding change: c.9214G>A on transcript NM_182961.4 (MANE Select); coding-DNA position 9214, G replaced by A.
Protein change: p.Ala3072Thr; replaces alanine 3072 with threonine.
Molecular consequence: missense variant.
Genome position (GRCh38, 1-based): chr6:152,376,491, C>T on the plus strand (G>A on the coding strand, the complement: SYNE1 is on the minus strand). VCF-style: chr6-152376491-C-T. GRCh37 (hg19) VCF-style: chr6-152697626-C-T.
Other names: c.9235G>A, p.Ala3079Thr (NM_033071.5); short protein forms A3079T, A3072T.
Identifiers: ClinVar variation 1936411 (VCV001936411.5), dbSNP rs762824112, ClinGen allele CA366141104.